The following is an entry in ClinVar:

ClinVar aggregate classification (germline): Uncertain significance (1 of 4 stars; one submission).

Conditions:
Dyskeratosis congenita. Identifiers: Orphanet 1775, MedGen C0265965, MONDO:0015780.

Submission:

Ambry Genetics
Classification: Uncertain significance for Dyskeratosis congenita. Last evaluated: 2015-05-01. Review status: criteria provided, single submitter. Criteria: Ambry Variant Classification Scheme 2023. Collection method: clinical testing. Allele origin: germline.
Comment: The c.1036+10G>T intronic variant results from a G to T substitution 10 nucleotides after coding exon 10 in the DKC1 gene. This variant was not reported in population based cohorts in the following databases: Database of Single Nucleotide Polymorphisms (dbSNP), NHLBI Exome Sequencing Project (ESP), and 1000 Genomes Project. In the ESP, this variant was not observed in 6503 samples with coverage at this position. This nucleotide position is not conserved on limited sequence alignment. Using two different splice site prediction tools, this alteration is predicted by BDGP to create a new alternate donor splice site, but ESEfinder does not predict the creation of a non-native donor site, nor a deleterious effect on splicing; however, direct evidence is unavailable. Since supporting evidence is limited at this time, its clinical significance remains unclear.

NM_001363.5(DKC1):c.1036+10G>T

Gene: DKC1 (dyskerin pseudouridine synthase 1; plus strand). Cytogenetic location: Xq28.
Variant type: single nucleotide variant.
Coding change: c.1036+10G>T on transcript NM_001363.5 (MANE Select); 10 bases into the intron after coding-DNA position 1036, G replaced by T.
Molecular consequence: intron variant.
Genome position (GRCh38, 1-based): chrX:154,770,889, G>T. VCF-style: chrX-154770889-G-T. GRCh37 (hg19) VCF-style: chrX-153999164-G-T.
Other names: c.1036+10G>T (NM_001288747.2, NM_001142463.3).
Identifiers: ClinVar variation 1772549 (VCV001772549.3), dbSNP rs367993753, ClinGen allele CA2580101785.